The following is an entry in ClinVar:

ClinVar aggregate classification (germline): Uncertain significance (1 of 4 stars; one submission).

Conditions:
Familial thoracic aortic aneurysm and aortic dissection (TAAD). Also called: Thoracic aortic aneurysms and dissections. Identifiers: Orphanet 91387, MedGen C4707243, MONDO:0019625.

gnomAD v4.1: 1 of 1,613,230 alleles (0.000062%); highest among the groups gnomAD compares: Non-Finnish European, 0.000085%; no homozygotes.

Submission:

Color Diagnostics, LLC DBA Color Health
Classification: Uncertain significance for Familial thoracic aortic aneurysm and aortic dissection. Last evaluated: 2018-11-22. Review status: criteria provided, single submitter. Criteria: ACMG Guidelines, 2015. Collection method: clinical testing. Allele origin: germline.
Comment: Variant of Uncertain Significance due to insufficient evidence: This variant is located in the triple-helical region of the COL3A1 protein. Computational prediction tools and conservation analyses are inconclusive regarding the impact of this variant on the protein function. Computational splicing tools suggest that this variant may not impact RNA splicing. To our knowledge, functional assays have not been performed for this variant nor has this variant been reported in individuals affected with cardiovascular disorders in the literature. This variant has been identified in 1/246118 chromosomes in the general population by the Genome Aggregation Database (gnomAD). Available evidence is insufficient to determine the pathogenicity of this variant conclusively.

NM_000090.4(COL3A1):c.1660C>G (p.Pro554Ala)

Gene: COL3A1 (collagen type III alpha 1 chain; plus strand). Cytogenetic location: 2q32.2.
Variant type: single nucleotide variant.
Coding change: c.1660C>G on transcript NM_000090.4 (MANE Select); coding-DNA position 1660, C replaced by G.
Protein change: p.Pro554Ala; replaces proline 554 with alanine.
Molecular consequence: missense variant.
Genome position (GRCh38, 1-based): chr2:188,996,176, C>G. VCF-style: chr2-188996176-C-G. GRCh37 (hg19) VCF-style: chr2-189860902-C-G.
Other names: short protein forms P554A.
Identifiers: ClinVar variation 926848 (VCV000926848.3), dbSNP rs1334678815, ClinGen allele CA349852519.
Genomic context (GRCh38, chr2:188,996,176, plus strand): 5'-TTACTTCAGGGCATGCCCGGAAGTCCAGGAGGACCAGGAAGTGATGGGAAACCAGGGCCT[C>G]CCGTATGTACATTTTTAAAATCTCATTTTAAAAGGCCAGTTAAAATGGAATGTATATGTT-3'
Protein context (NP_000081.2, residues 544-564): GPGSDGKPGP[Pro554Ala]GSQGESGRPG